The following is an entry in ClinVar:

NM_005751.5(AKAP9):c.581A>C (p.Gln194Pro)

Gene: AKAP9 (A-kinase anchoring protein 9; plus strand). Cytogenetic location: 7q21.2.
Variant type: single nucleotide variant.
Coding change: c.581A>C on transcript NM_005751.5 (MANE Select); coding-DNA position 581, A replaced by C.
Protein change: p.Gln194Pro; replaces glutamine 194 with proline.
Molecular consequence: missense variant.
Genome position (GRCh38, 1-based): chr7:91,994,625, A>C. VCF-style: chr7-91994625-A-C. GRCh37 (hg19) VCF-style: chr7-91623939-A-C.
Other names: c.581A>C, p.Gln194Pro (NM_147185.3); short protein forms Q194P.
Identifiers: ClinVar variation 3516336 (VCV003516336.1).
Genomic context (GRCh38, chr7:91,994,625, plus strand): 5'-CCTGTAATAATAGTCAATTAAAAAAAATAAATCTAGCACTTACTATTTTCTTTCAGTTAC[A>C]AGAATTTGAAGCTGCCATTAAACAAAGAGATGGCATTATAACCCAGCTCACTGCTAATTT-3'
Protein context (NP_005742.4, residues 184-204): TYGTEGLQQL[Gln194Pro]EFEAAIKQRD

ClinVar aggregate classification (germline): Uncertain significance (1 of 4 stars; one submission).

Conditions:
Cardiovascular phenotype. Identifiers: MedGen CN230736.

Submission:

Ambry Genetics
Classification: Uncertain significance for Cardiovascular phenotype. Last evaluated: 2024-08-19. Review status: criteria provided, single submitter. Criteria: Ambry Variant Classification Scheme 2023. Collection method: clinical testing. Allele origin: germline.
Comment: The p.Q194P variant (also known as c.581A>C), located in coding exon 6 of the AKAP9 gene, results from an A to C substitution at nucleotide position 581. The glutamine at codon 194 is replaced by proline, an amino acid with similar properties. This amino acid position is conserved. In addition, this alteration is predicted to be deleterious by in silico analysis. Based on the available evidence, the clinical significance of this variant remains unclear.